The following is an entry in ClinVar:

NM_004004.6(GJB2):c.130T>C (p.Trp44Arg)

Gene: GJB2 (gap junction protein beta 2; minus strand). Cytogenetic location: 13q12.11.
Variant type: single nucleotide variant.
Coding change: c.130T>C on transcript NM_004004.6 (MANE Select); coding-DNA position 130, T replaced by C.
Protein change: p.Trp44Arg; replaces tryptophan 44 with arginine.
Molecular consequence: missense variant.
Genome position (GRCh38, 1-based): chr13:20,189,452, A>G on the plus strand (T>C on the coding strand, the complement: GJB2 is on the minus strand). VCF-style: chr13-20189452-A-G. GRCh37 (hg19) VCF-style: chr13-20763591-A-G.
Other names: short protein forms W44R.
Identifiers: ClinVar variation 3384484 (VCV003384484.1).

ClinVar aggregate classification (germline): Uncertain significance (1 of 4 stars; one submission).

Submission:

GeneDx
Classification: Uncertain significance. Last evaluated: 2024-06-06. Review status: criteria provided, single submitter. Criteria: GeneDx Variant Classification Process June 2021. Collection method: clinical testing. Allele origin: germline. Affected: yes.
Comment: Not observed at significant frequency in large population cohorts (gnomAD); In silico analysis supports that this missense variant has a deleterious effect on protein structure/function; Has not been previously published as pathogenic or benign to our knowledge